The following is an entry in ClinVar:

ClinVar aggregate classification (germline): Uncertain significance (1 of 4 stars; one submission).

Conditions:
Idiopathic generalized epilepsy. Also called: Generalised epilepsy; EIG. Identifiers: MedGen C0270850, MONDO:0005579, OMIM 600669.
Hyperaldosteronism, familial, type IV (HALD4). Also called: FH IV; ALDOSTERONISM, PRIMARY, AND HYPERTENSION. Identifiers: Orphanet 642671, MedGen C4310756, MONDO:0014875, OMIM 617027.

Allele frequency attached by ClinVar (database versions not stated): gnomAD exomes below 0.00001.
gnomAD v4.1: 1 of 1,548,904 alleles (0.000065%); highest among the groups gnomAD compares: South Asian, 0.0012%; no homozygotes.

Submission:

Labcorp Genetics (formerly Invitae), Labcorp
Classification: Uncertain significance for Idiopathic generalized epilepsy; Hyperaldosteronism, familial, type IV. Last evaluated: 2023-09-21. Review status: criteria provided, single submitter. Criteria: Invitae Variant Classification Sherloc (09022015). Collection method: clinical testing. Allele origin: germline.
Comment: Advanced modeling of protein sequence and biophysical properties (such as structural, functional, and spatial information, amino acid conservation, physicochemical variation, residue mobility, and thermodynamic stability) performed at Invitae indicates that this missense variant is not expected to disrupt CACNA1H protein function. This sequence change replaces alanine, which is neutral and non-polar, with valine, which is neutral and non-polar, at codon 1958 of the CACNA1H protein (p.Ala1958Val). This variant is not present in population databases (gnomAD no frequency). This variant has not been reported in the literature in individuals affected with CACNA1H-related conditions. ClinVar contains an entry for this variant (Variation ID: 1500401). In summary, the available evidence is currently insufficient to determine the role of this variant in disease. Therefore, it has been classified as a Variant of Uncertain Significance.

NM_021098.3(CACNA1H):c.5873C>T (p.Ala1958Val)

Gene: CACNA1H (calcium voltage-gated channel subunit alpha1 H; plus strand). Cytogenetic location: 16p13.3.
Variant type: single nucleotide variant.
Coding change: c.5873C>T on transcript NM_021098.3 (MANE Select); coding-DNA position 5873, C replaced by T.
Protein change: p.Ala1958Val; replaces alanine 1958 with valine.
Molecular consequence: missense variant.
Genome position (GRCh38, 1-based): chr16:1,218,637, C>T. VCF-style: chr16-1218637-C-T. GRCh37 (hg19) VCF-style: chr16-1268637-C-T.
Other names: c.5855C>T, p.Ala1952Val (NM_001005407.2); short protein forms A1952V, A1958V.
Identifiers: ClinVar variation 1500401 (VCV001500401.6), dbSNP rs780614055, ClinGen allele CA7802149.